The following is an entry in ClinVar:

NM_000455.5(STK11):c.65T>G (p.Met22Arg)

Gene: STK11 (serine/threonine kinase 11; plus strand). Cytogenetic location: 19p13.3.
Variant type: single nucleotide variant.
Coding change: c.65T>G on transcript NM_000455.5 (MANE Select); coding-DNA position 65, T replaced by G.
Protein change: p.Met22Arg; replaces methionine 22 with arginine.
Molecular consequence: missense variant.
Genome position (GRCh38, 1-based): chr19:1,206,978, T>G. VCF-style: chr19-1206978-T-G. GRCh37 (hg19) VCF-style: chr19-1206977-T-G.
Other names: short protein forms M22R.
Identifiers: ClinVar variation 826507 (VCV000826507.7), dbSNP rs1599914854, ClinGen allele CA402943423.

ClinVar aggregate classification (germline): Uncertain significance. Review status: criteria provided, multiple submitters, no conflicts (2 of 4 stars). 2 submissions from 2 submitters: Uncertain significance (2). Last evaluated 2025-03-07.

Conditions:
Peutz-Jeghers syndrome (PJS). Also called: Peutz-Jeghers polyposis; Periorificial lentiginosis syndrome; POLYPOSIS, HAMARTOMATOUS INTESTINAL; POLYPS-AND-SPOTS SYNDROME. Identifiers: Orphanet 2869, MedGen C0031269, MeSH D010580, MONDO:0008280, OMIM 175200.
Hereditary cancer-predisposing syndrome. Also called: Neoplastic Syndromes, Hereditary; Hereditary Cancer Syndrome; Hereditary neoplastic syndrome; Tumor predisposition. Identifiers: Orphanet 140162, MedGen C0027672, MeSH D009386, MONDO:0015356.

Submissions (2):

Ambry Genetics
Classification: Uncertain significance for Hereditary cancer-predisposing syndrome. Last evaluated: 2025-03-07. Review status: criteria provided, single submitter. Criteria: Ambry Variant Classification Scheme 2023. Collection method: clinical testing. Allele origin: germline.
Comment: The p.M22R variant (also known as c.65T>G), located in coding exon 1 of the STK11 gene, results from a T to G substitution at nucleotide position 65. The methionine at codon 22 is replaced by arginine, an amino acid with similar properties. This amino acid position is highly conserved in available vertebrate species. In addition, the in silico prediction for this alteration is inconclusive. Since supporting evidence is limited at this time, the clinical significance of this alteration remains unclear.

Labcorp Genetics (formerly Invitae), Labcorp
Classification: Uncertain significance for Peutz-Jeghers syndrome. Last evaluated: 2024-03-28. Review status: criteria provided, single submitter. Criteria: Invitae Variant Classification Sherloc (09022015). Collection method: clinical testing. Allele origin: germline.
Comment: This sequence change replaces methionine, which is neutral and non-polar, with arginine, which is basic and polar, at codon 22 of the STK11 protein (p.Met22Arg). This variant is not present in population databases (gnomAD no frequency). This variant has not been reported in the literature in individuals affected with STK11-related conditions. ClinVar contains an entry for this variant (Variation ID: 826507). Advanced modeling of protein sequence and biophysical properties (such as structural, functional, and spatial information, amino acid conservation, physicochemical variation, residue mobility, and thermodynamic stability) performed at Invitae indicates that this missense variant is not expected to disrupt STK11 protein function with a negative predictive value of 95%. In summary, the available evidence is currently insufficient to determine the role of this variant in disease. Therefore, it has been classified as a Variant of Uncertain Significance.